The following is an entry in ClinVar:

NM_006265.3(RAD21):c.1638G>T (p.Gly546=)

Gene: RAD21 (RAD21 cohesin complex component; minus strand). Cytogenetic location: 8q24.11.
Variant type: single nucleotide variant.
Coding change: c.1638G>T on transcript NM_006265.3 (MANE Select); coding-DNA position 1638, G replaced by T.
Protein change: p.Gly546=; no amino-acid change (glycine 546 retained).
Molecular consequence: synonymous variant.
Genome position (GRCh38, 1-based): chr8:116,849,012, C>A on the plus strand (G>T on the coding strand, the complement: RAD21 is on the minus strand). VCF-style: chr8-116849012-C-A. GRCh37 (hg19) VCF-style: chr8-117861251-C-A.
Identifiers: ClinVar variation 3239535 (VCV003239535.19), dbSNP rs1420284854.
Genomic context (GRCh38, chr8:116,849,012, plus strand): 5'-ACCATGAAGCATCTGCTGAGTCCTTTTGTTCCATCTTCTTTCTTCCTGATCTTGATCGCC[C>A]CCTGATGCATCTTCATCCTGAATAAAAATGACCCCCAAAAAGCTGACAAAACAAGTCCAA-3'
Protein context (NP_006256.1, residues 536-556): DEEEEDEDAS[Gly546=]GDQDQEERRW

ClinVar aggregate classification (germline): Likely benign (1 of 4 stars; one submission).

Allele frequency attached by ClinVar (database versions not stated): gnomAD 0.00001; TOPMed 0.00001; gnomAD exomes 0.00002.
gnomAD v4.1: 25 of 1,593,004 alleles (0.0016%); highest among the groups gnomAD compares: Non-Finnish European, 0.0021%; no homozygotes.

Submission:

CeGaT Center for Human Genetics Tuebingen
Classification: Likely benign. Last evaluated: 2024-05-01. Review status: criteria provided, single submitter. Criteria: CeGaT Center For Human Genetics Tuebingen Variant Classification Criteria Version 2. Collection method: clinical testing. Allele origin: germline. Affected: yes. Observed: 1 variant allele.
Comment: RAD21: BP4, BP7